The following is an entry in ClinVar:

ClinVar aggregate classification (germline): Uncertain significance. Review status: criteria provided, single submitter (1 of 4 stars). 2 submissions from 2 submitters: Uncertain significance (1). 1 of the submissions does not count toward it. Last evaluated 2025-12-02.

Conditions:
Familial cancer of breast. Also called: BREAST CANCER, FAMILIAL; Hereditary breast cancer; hereditary breast carcinoma. Identifiers: Orphanet 227535, MedGen C0346153, MONDO:0016419, OMIM 114480. Disease mechanism: loss of function.

gnomAD v4.1: 1 of 1,613,928 alleles (0.000062%); highest among the groups gnomAD compares: East Asian, 0.0022%; no homozygotes.

Submissions (2):

Labcorp Genetics (formerly Invitae), Labcorp
Classification: Uncertain significance for Familial cancer of breast. Last evaluated: 2025-12-02. Review status: criteria provided, single submitter. Criteria: Invitae Variant Classification Sherloc (09022015). Collection method: clinical testing. Allele origin: germline.
Comment: This sequence change replaces leucine, which is neutral and non-polar, with serine, which is neutral and polar, at codon 21 of the PALB2 protein (p.Leu21Ser). This variant is not present in population databases (gnomAD no frequency). This variant has not been reported in the literature in individuals affected with PALB2-related conditions. ClinVar contains an entry for this variant (Variation ID: 830086). An algorithm developed to predict the effect of missense changes on protein structure and function (PolyPhen-2) suggests that this variant is likely to be disruptive. In summary, the available evidence is currently insufficient to determine the role of this variant in disease. Therefore, it has been classified as a Variant of Uncertain Significance.

Leiden Open Variation Database
Classification: Uncertain significance. Last evaluated: 2019-05-13. Review status: no assertion criteria provided. Collection method: curation. Allele origin: germline. Affected: yes. Not counted in ClinVar's aggregate classification.
Comment: Curators: Marc Tischkowitz, Arleen D. Auerbach. Submitter to LOVD: Andreas Laner.

NM_024675.4(PALB2):c.62T>C (p.Leu21Ser)

Gene: PALB2 (partner and localizer of BRCA2; minus strand). Cytogenetic location: 16p12.2.
Variant type: single nucleotide variant.
Coding change: c.62T>C on transcript NM_024675.4 (MANE Select); coding-DNA position 62, T replaced by C.
Protein change: p.Leu21Ser; replaces leucine 21 with serine.
Molecular consequence: missense variant.
Genome position (GRCh38, 1-based): chr16:23,638,116, A>G on the plus strand (T>C on the coding strand, the complement: PALB2 is on the minus strand). VCF-style: chr16-23638116-A-G. GRCh37 (hg19) VCF-style: chr16-23649437-A-G.
Other names: short protein forms L21S.
Identifiers: ClinVar variation 830086 (VCV000830086.6), dbSNP rs769240800, ClinGen allele CA395139891.